The following is an entry in ClinVar:

NM_000264.5(PTCH1):c.140G>T (p.Arg47Leu)

Genes: PTCH1 (patched 1; minus strand), LOC130002133 (ATAC-STARR-seq lymphoblastoid silent region 20071; plus strand). Cytogenetic location: 9q22.32.
Variant type: single nucleotide variant.
Coding change: c.140G>T on transcript NM_000264.5 (MANE Select); coding-DNA position 140, G replaced by T.
Protein change: p.Arg47Leu; replaces arginine 47 with leucine.
Molecular consequence: missense variant. On other transcripts: non-coding transcript variant (1), intron variant (3).
Genome position (GRCh38, 1-based): chr9:95,508,222, C>A on the plus strand (G>T on the coding strand, the complement: PTCH1 is on the minus strand). VCF-style: chr9-95508222-C-A. GRCh37 (hg19) VCF-style: chr9-98270504-C-A.
Other names: c.140G>T, p.Arg47Leu (NM_001354918.2); c.199-1623G>T (NM_001083603.3); c.4-1623G>T (NM_001083602.3, NM_001354919.2); short protein forms R47L.
Identifiers: ClinVar variation 409179 (VCV000409179.23), dbSNP rs775408408, ClinGen allele CA16612692.

ClinVar aggregate classification (germline): Conflicting classifications of pathogenicity. Review status: criteria provided, conflicting classifications (1 of 4 stars). 6 submissions from 6 submitters: Uncertain significance (2); Benign (1); Likely benign (3). Last evaluated 2026-07-01.

Conditions:
Hereditary cancer-predisposing syndrome. Also called: Hereditary neoplastic syndrome; Neoplastic Syndromes, Hereditary; Hereditary Cancer Syndrome; Tumor predisposition. Identifiers: Orphanet 140162, MedGen C0027672, MeSH D009386, MONDO:0015356.
Gorlin syndrome. Also called: Nevoid Basal Cell Carcinoma Syndrome; Basal cell nevus syndrome. Identifiers: Orphanet 377, MedGen C0004779, MONDO:0007187.

Allele frequency attached by ClinVar (database versions not stated): TOPMed 0.00002.
gnomAD v4.1: 98 of 1,611,126 alleles (0.0061%); highest among the groups gnomAD compares: East Asian, 0.21%; 1 homozygote.

Submissions (6):

CeGaT Center for Human Genetics Tuebingen
Classification: Likely benign. Last evaluated: 2026-07-01. Review status: criteria provided, single submitter. Criteria: CeGaT Center For Human Genetics Tuebingen Variant Classification Criteria Version 2. Collection method: clinical testing. Allele origin: germline. Affected: yes. Observed: 1 variant allele.
Comment: PTCH1: BS1

Labcorp Genetics (formerly Invitae), Labcorp
Classification: Benign for Gorlin syndrome. Last evaluated: 2025-12-22. Review status: criteria provided, single submitter. Criteria: Invitae Variant Classification Sherloc (09022015). Collection method: clinical testing. Allele origin: germline.

Dasa
Classification: Likely benign. Last evaluated: 2025-11-17. Review status: criteria provided, single submitter. Criteria: DASA Assertion Criteria. Collection method: clinical testing. Allele origin: germline.
Comment: NM_000264.5(PTCH1):c.140G>T (p.Arg47Leu) is a missense variant that results in the substitution of arginine with leucine. Multiple computational predictions suggest no deleterious effect on the gene or gene product. The variant is present at low frequency in population datasets. Based on the available data, this variant is classified as likely benign.

GeneDx
Classification: Uncertain significance. Last evaluated: 2023-03-22. Review status: criteria provided, single submitter. Criteria: GeneDx Variant Classification Process June 2021. Collection method: clinical testing. Allele origin: germline. Affected: yes.
Comment: Not observed at significant frequency in large population cohorts (gnomAD); In silico analysis supports that this missense variant does not alter protein structure/function; Has not been previously published as pathogenic or benign to our knowledge

Ambry Genetics
Classification: Likely benign for Hereditary cancer-predisposing syndrome. Last evaluated: 2023-01-23. Review status: criteria provided, single submitter. Criteria: Ambry Variant Classification Scheme 2023. Collection method: clinical testing. Allele origin: germline.

St. Jude Molecular Pathology, St. Jude Children's Research Hospital
Classification: Uncertain significance for Gorlin syndrome. Last evaluated: 2021-08-10. Review status: criteria provided, single submitter. Criteria: St. Jude Assertion Criteria 2020. Collection method: clinical testing. Allele origin: germline.
Comment: The PTCH1 c.140G>T (p.Arg47Leu) missense change is absent in gnomAD v2.1.1 (PM2_supporting). Six of seven in silico tools predict a benign effect of this variant on protein function (BP4), but these predictions have not been confirmed by functional studies. To our knowledge, this variant has not been reported in individuals with Gorlin syndrome. In summary, this variant meets criteria to be classified as of uncertain significance based on the ACMG/AMP criteria: PM2_supporting, BP4.